The following is an entry in ClinVar:

ClinVar aggregate classification (germline): Uncertain significance (1 of 4 stars; one submission).

Submission:

Labcorp Genetics (formerly Invitae), Labcorp
Classification: Uncertain significance. Last evaluated: 2024-02-24. Review status: criteria provided, single submitter. Criteria: Invitae Variant Classification Sherloc (09022015). Collection method: clinical testing. Allele origin: germline.
Comment: This sequence change replaces isoleucine, which is neutral and non-polar, with threonine, which is neutral and polar, at codon 368 of the ARSG protein (p.Ile368Thr). This variant is not present in population databases (gnomAD no frequency). This variant has not been reported in the literature in individuals affected with ARSG-related conditions. ClinVar contains an entry for this variant (Variation ID: 953151). Advanced modeling of protein sequence and biophysical properties (such as structural, functional, and spatial information, amino acid conservation, physicochemical variation, residue mobility, and thermodynamic stability) performed at Invitae indicates that this missense variant is expected to disrupt ARSG protein function with a positive predictive value of 80%. In summary, the available evidence is currently insufficient to determine the role of this variant in disease. Therefore, it has been classified as a Variant of Uncertain Significance.

NM_001267727.2(ARSG):c.1103T>C (p.Ile368Thr)

Gene: ARSG (arylsulfatase G; plus strand). Cytogenetic location: 17q24.2.
Variant type: single nucleotide variant.
Coding change: c.1103T>C on transcript NM_001267727.2 (MANE Select); coding-DNA position 1103, T replaced by C.
Protein change: p.Ile368Thr; replaces isoleucine 368 with threonine.
Molecular consequence: missense variant.
Genome position (GRCh38, 1-based): chr17:68,395,084, T>C. VCF-style: chr17-68395084-T-C. GRCh37 (hg19) VCF-style: chr17-66391225-T-C.
Other names: c.1103T>C, p.Ile368Thr (NM_001352899.2, NM_001352900.2, NM_001352901.2 and 3 more transcripts); c.1100T>C, p.Ile367Thr (NM_001352903.2, NM_001352904.2, NM_001352905.2 and 2 more transcripts); c.1055T>C, p.Ile352Thr (NM_001352909.2); short protein forms I352T, I367T, I368T.
Identifiers: ClinVar variation 953151 (VCV000953151.9), dbSNP rs2081177710, ClinGen allele CA400746963.
Genomic context (GRCh38, chr17:68,395,084, plus strand): 5'-GGAGCGAGTCAGAAGAGCTGGGGACAACTCAGTCTTGTTATTTCCGCAGCGTGCTGGACA[T>C]TTTTCCAACTGTGGTAGCCCTGGCCCAGGCCAGCTTACCTCAAGGACGGCGCTTTGATGG-3'
Protein context (NP_001254656.1, residues 358-378): TSTALLSVLD[Ile368Thr]FPTVVALAQA